The following is an entry in ClinVar:

ClinVar aggregate classification (germline): Uncertain significance. Review status: criteria provided, multiple submitters, no conflicts (2 of 4 stars). 2 submissions from 2 submitters: Uncertain significance (2). Last evaluated 2024-11-26.

Conditions:
CREBBP-related disorder. Also called: CREBBP-related disorders; CREBBP-related condition.
Rubinstein-Taybi syndrome (RSTS). Identifiers: Orphanet 783, MedGen C0035934, MONDO:0019188.

gnomAD v4.1: 14 of 1,613,490 alleles (0.00087%); highest among the groups gnomAD compares: Middle Eastern, 0.016%; no homozygotes.

Submissions (2):

PreventionGenetics, part of Exact Sciences
Classification: Uncertain significance for CREBBP-related condition. Last evaluated: 2024-11-26. Review status: criteria provided, single submitter. Criteria: ACMG Guidelines, 2015. Collection method: clinical testing. Allele origin: germline.
Comment: The CREBBP c.6376G>A variant is predicted to result in the amino acid substitution p.Gly2126Ser. To our knowledge, this variant has not been reported in the literature. This variant is reported in 0.0029% of alleles in individuals of Latino descent in gnomAD. At this time, the clinical significance of this variant is uncertain due to the absence of conclusive functional and genetic evidence.

Labcorp Genetics (formerly Invitae), Labcorp
Classification: Uncertain significance for Rubinstein-Taybi syndrome. Last evaluated: 2023-10-17. Review status: criteria provided, single submitter. Criteria: Invitae Variant Classification Sherloc (09022015). Collection method: clinical testing. Allele origin: germline.
Comment: This sequence change replaces glycine, which is neutral and non-polar, with serine, which is neutral and polar, at codon 2126 of the CREBBP protein (p.Gly2126Ser). This variant is present in population databases (no rsID available, gnomAD 0.003%). This variant has not been reported in the literature in individuals affected with CREBBP-related conditions. Algorithms developed to predict the effect of missense changes on protein structure and function output the following: SIFT: "Not Available"; PolyPhen-2: "Not Available"; Align-GVGD: "Not Available". The serine amino acid residue is found in multiple mammalian species, which suggests that this missense change does not adversely affect protein function. In summary, the available evidence is currently insufficient to determine the role of this variant in disease. Therefore, it has been classified as a Variant of Uncertain Significance.

NM_004380.3(CREBBP):c.6376G>A (p.Gly2126Ser)

Gene: CREBBP (CREB binding lysine acetyltransferase; minus strand). Cytogenetic location: 16p13.3.
Variant type: single nucleotide variant.
Coding change: c.6376G>A on transcript NM_004380.3 (MANE Select); coding-DNA position 6376, G replaced by A.
Protein change: p.Gly2126Ser; replaces glycine 2126 with serine.
Molecular consequence: missense variant.
Genome position (GRCh38, 1-based): chr16:3,728,671, C>T on the plus strand (G>A on the coding strand, the complement: CREBBP is on the minus strand). VCF-style: chr16-3728671-C-T. GRCh37 (hg19) VCF-style: chr16-3778672-C-T.
Other names: c.6262G>A, p.Gly2088Ser (NM_001079846.1); c.6376G>A (NM_004380.2); short protein forms G2088S, G2126S.
Identifiers: ClinVar variation 2771855 (VCV002771855.4), dbSNP rs200780672, ClinGen allele CA276971633.